The following is an entry in ClinVar:

NM_001048174.2(MUTYH):c.293G>A (p.Arg98Gln)

Gene: MUTYH (mutY DNA glycosylase; minus strand). Cytogenetic location: 1p34.1.
Variant type: single nucleotide variant.
Coding change: c.293G>A on transcript NM_001048174.2 (MANE Select); coding-DNA position 293, G replaced by A.
Protein change: p.Arg98Gln; replaces arginine 98 with glutamine.
Molecular consequence: missense variant. On other transcripts: non-coding transcript variant (2).
Genome position (GRCh38, 1-based): chr1:45,333,296, C>T on the plus strand (G>A on the coding strand, the complement: MUTYH is on the minus strand). VCF-style: chr1-45333296-C-T. GRCh37 (hg19) VCF-style: chr1-45798968-C-T.
Other names: c.293G>A, p.Arg98Gln (NM_001048171.2, NM_001048173.2, NM_001293195.2); c.296G>A, p.Arg99Gln (NM_001048172.2); c.377G>A, p.Arg126Gln (NM_001128425.2); c.338G>A, p.Arg113Gln (NM_001293190.2); c.326G>A, p.Arg109Gln (NM_001293191.2); c.17G>A, p.Arg6Gln (NM_001293192.2, NM_001293196.2); c.22G>A, p.Gly8Arg (NM_001350650.2, NM_001350651.2); c.368G>A, p.Arg123Gln (NM_012222.3); short protein forms R126Q, R113Q, R123Q, R98Q, R99Q, R109Q, R6Q, G8R.
Identifiers: ClinVar variation 141028 (VCV000141028.23), dbSNP rs587781444, ClinGen allele CA013471.

ClinVar aggregate classification (germline): Uncertain significance. Review status: criteria provided, multiple submitters, no conflicts (2 of 4 stars). 7 submissions from 7 submitters: Uncertain significance (7). Last evaluated 2025-11-17.

Conditions:
Hereditary cancer-predisposing syndrome. Also called: Neoplastic Syndromes, Hereditary; Hereditary Cancer Syndrome; Tumor predisposition; Hereditary neoplastic syndrome. Identifiers: Orphanet 140162, MedGen C0027672, MeSH D009386, MONDO:0015356.
Familial adenomatous polyposis 2. Also called: MUTYH-associated polyposis; MUTYH Polyposis; FAP type 2; Adenomas, multiple colorectal; COLORECTAL ADENOMATOUS POLYPOSIS, AUTOSOMAL RECESSIVE; ADENOMAS, MULTIPLE COLORECTAL, AUTOSOMAL RECESSIVE. Identifiers: Orphanet 220460, Orphanet 247798, MedGen C3272841, MONDO:0012041, OMIM 608456.

Allele frequency attached by ClinVar (database versions not stated): gnomAD 0.00001; gnomAD exomes 0.00001 and 0.00003; ExAC 0.00003.
gnomAD v4.1: 19 of 1,614,094 alleles (0.0012%); highest among the groups gnomAD compares: East Asian, 0.011%; no homozygotes.

Submissions (7):

Ambry Genetics
Classification: Uncertain significance for Hereditary cancer-predisposing syndrome. Last evaluated: 2025-11-17. Review status: criteria provided, single submitter. Criteria: Ambry Variant Classification Scheme 2023. Collection method: clinical testing. Allele origin: germline.
Comment: The p.R126Q variant (also known as c.377G>A), located in coding exon 4 of the MUTYH gene, results from a G to A substitution at nucleotide position 377. The arginine at codon 126 is replaced by glutamine, an amino acid with highly similar properties. This alteration has been identified in two individuals with polyposis who were also heterozygous for an MUTYH mutation; however, phase was not confirmed in either individual (Guarinos C et al. Clin. Cancer Res. 2014 Mar;20:1158-68; Ambry internal data). This variant is designated as c.326G>A in Guarinos C et al. 2014. In a massively parallel cell-based functional assay testing 7,8-dihydro-8- oxoguanine:adenine (8OG:A) repair activity, a byproduct of oxidative damage, this variant was reported to be functional (Hemker SL et al. Am J Hum Genet. Published online July 29, 2025. DOI: 10.1016/j.ajhg.2025.07.005). This amino acid position is well conserved in available vertebrate species. In addition, the in silico prediction for this alteration is inconclusive. Since supporting evidence is limited at this time, the clinical significance of this alteration remains unclear.

Labcorp Genetics (formerly Invitae), Labcorp
Classification: Uncertain significance for Familial adenomatous polyposis 2. Last evaluated: 2025-10-19. Review status: criteria provided, single submitter. Criteria: Invitae Variant Classification Sherloc (09022015). Collection method: clinical testing. Allele origin: germline.
Comment: This sequence change replaces arginine, which is basic and polar, with glutamine, which is neutral and polar, at codon 126 of the MUTYH protein (p.Arg126Gln). This variant is present in population databases (rs587781444, gnomAD 0.02%). This variant has not been reported in the literature in individuals affected with MUTYH-related conditions. ClinVar contains an entry for this variant (Variation ID: 141028). An algorithm developed to predict the effect of missense changes on protein structure and function (PolyPhen-2) suggests that this variant is likely to be disruptive. In summary, the available evidence is currently insufficient to determine the role of this variant in disease. Therefore, it has been classified as a Variant of Uncertain Significance.

Color Diagnostics, LLC DBA Color Health
Classification: Uncertain significance for Hereditary cancer-predisposing syndrome. Last evaluated: 2025-06-05. Review status: criteria provided, single submitter. Criteria: ACMG Guidelines, 2015. Collection method: clinical testing. Allele origin: germline.
Comment: This missense variant replaces arginine with glutamine at codon 126 of the MUTYH protein. Computational prediction is inconclusive regarding the impact of this variant on protein structure and function. To our knowledge, functional studies have not been reported for this variant. This variant has not been reported in individuals affected with MUTYH-related disorders in the literature. This variant has been identified in 7/251354 chromosomes in the general population by the Genome Aggregation Database (gnomAD). The available evidence is insufficient to determine the role of this variant in disease conclusively. Therefore, this variant is classified as a Variant of Uncertain Significance.

All of Us Research Program, National Institutes of Health
Classification: Uncertain significance for Familial adenomatous polyposis 2. Last evaluated: 2024-06-17. Review status: criteria provided, single submitter. Criteria: ACMG Guidelines, 2015. Collection method: clinical testing. Allele origin: germline. Inheritance: Autosomal recessive inheritance. Observed: 2 variant alleles, 2 heterozygotes.
Comment: This study involves interpretation of variants in research participants for the purpose of population health screening. Participant phenotype was not available at the time of variant classification. Additional details can be found in publication PMID: 35346344, PMCID: PMC8962531

Baylor Genetics
Classification: Uncertain significance for Familial adenomatous polyposis 2. Last evaluated: 2023-09-21. Review status: criteria provided, single submitter. Criteria: ACMG Guidelines, 2015. Collection method: clinical testing. Allele origin: unknown.

GeneDx
Classification: Uncertain significance. Last evaluated: 2021-12-03. Review status: criteria provided, single submitter. Criteria: GeneDx Variant Classification Process June 2021. Collection method: clinical testing. Allele origin: germline. Affected: yes.
Comment: In silico analysis supports that this missense variant has a deleterious effect on protein structure/function; Has not been previously published as pathogenic or benign to our knowledge

Women's Health and Genetics/Laboratory Corporation of America, LabCorp
Classification: Uncertain significance. Last evaluated: 2021-09-11. Review status: criteria provided, single submitter. Criteria: LabCorp Variant Classification Summary - May 2015. Collection method: clinical testing. Allele origin: germline.
Comment: Variant summary: MUTYH c.377G>A (p.Arg126Gln), also known as c.326G>A (p.Arg109Gln), results in a conservative amino acid change in the encoded protein sequence. Four of five in-silico tools predict a damaging effect of the variant on protein function. The variant allele was found at a frequency of 2.8e-05 in 251354 control chromosomes. The available data on variant occurrences in the general population are insufficient to allow any conclusion about variant significance. c.377G>A has been reported in the literature in at-least one individual affected with MUTYH-Associated Polyposis (Guarinos_2014) and as a VUS in settings of multigene panel testing in one individual from a cohort of patients with familial pancreatic cancer (Takai_2016). These data do not allow any conclusion about variant significance. To our knowledge, no experimental evidence demonstrating an impact on protein function has been reported. Three clinical diagnostic laboratories have submitted clinical-significance assessments for this variant to ClinVar after 2014 without evidence for independent evaluation. All laboratories classified the variant as uncertain significance. Based on the evidence outlined above, the variant was classified as uncertain significance.

Literature cited by the submitters: PubMed 40738107 (cited by Ambry Genetics); PubMed 24470512 (cited by Women's Health and Genetics/Laboratory Corporation of America, LabCorp); PubMed 27732944 (cited by Women's Health and Genetics/Laboratory Corporation of America, LabCorp).